The following is an entry in ClinVar:

ClinVar aggregate classification (germline): Uncertain significance (1 of 4 stars; one submission).

Allele frequency attached by ClinVar (database versions not stated): gnomAD exomes below 0.00001.
gnomAD v4.1: 1 of 1,376,742 alleles (0.000073%); highest among the groups gnomAD compares: Non-Finnish European, 0.000094%; no homozygotes.

Submission:

CeGaT Center for Human Genetics Tuebingen
Classification: Uncertain significance. Last evaluated: 2023-07-01. Review status: criteria provided, single submitter. Criteria: CeGaT Center For Human Genetics Tuebingen Variant Classification Criteria Version 2. Collection method: clinical testing. Allele origin: germline. Affected: yes. Observed: 1 variant allele.
Comment: KDM1A: PM2, PP2

NM_001009999.3(KDM1A):c.185A>G (p.Lys62Arg)

Gene: KDM1A (lysine demethylase 1A; plus strand). Cytogenetic location: 1p36.12.
Variant type: single nucleotide variant.
Coding change: c.185A>G on transcript NM_001009999.3 (MANE Select); coding-DNA position 185, A replaced by G.
Protein change: p.Lys62Arg; replaces lysine 62 with arginine.
Molecular consequence: missense variant.
Genome position (GRCh38, 1-based): chr1:23,019,781, A>G. VCF-style: chr1-23019781-A-G. GRCh37 (hg19) VCF-style: chr1-23346274-A-G.
Other names: c.185A>G, p.Lys62Arg (NM_001363654.2, NM_001410762.1, NM_001410763.1 and 1 more transcripts); short protein forms K62R.
Identifiers: ClinVar variation 2578571 (VCV002578571.25), dbSNP rs2522471755, ClinGen allele CA338951341.
Genomic context (GRCh38, chr1:23,019,781, plus strand): 5'-CGGGCCTGTCGGGCCCAGCCGAGGTCGGGCCGGGGGCGGTGGGGGAGCGCACACCCCGCA[A>G]GAAAGAGCCTCCGCGGGCCTCGCCCCCCGGGGGCCTGGCGGAACCGCCGGGGTCCGCAGG-3'
Protein context (NP_001009999.1, residues 52-72): PGAVGERTPR[Lys62Arg]KEPPRASPPG